The following is an entry in ClinVar:

ClinVar aggregate classification (germline): Pathogenic (1 of 4 stars; one submission).

Conditions:
Arteriovenous malformation. Also called: AVM. Identifiers: MedGen C0003857, MeSH D001165, HP:0100026.

Submission:

Clinical Genomics Laboratory, Washington University in St. Louis
Classification: Pathogenic for Arteriovenous malformation. Last evaluated: 2024-08-09. Review status: criteria provided, single submitter. Criteria: Leon-Quintero et al. (Clin Genet. 2025). Collection method: clinical testing. Allele origin: somatic. Affected: yes.
Comment: A RASA1 c.724_743dup (p.Leu249Valfs*11) variant was identified at an allelic fraction consistent with somatic origin. This variant, to our knowledge, has not been reported in the medical literature and is absent from the general population (gnomAD v.4.1.0), indicating it is not a common variant. This variant causes a frameshift by inserting 20 nucleotides, leading to a premature termination codon, which is predicted to lead to nonsense mediated decay, and loss of function is the known disease mechanism (Revencu N et al., PMID: 24038909). Based on available information and an internally developed protocol informed by the ACMG/AMP guidelines for variant interpretation and gene-specific practices from the ClinGen Criteria Specification Registry (Leon-Quintero FZ et al., PMID: 39434542), the RASA1 c.724_743dup (p.Leu249Valfs*11) variant is classified as pathogenic.

NM_002890.3(RASA1):c.724_743dup (p.Leu249fs)

Genes: CCNH (cyclin H; minus strand), RASA1 (RAS p21 protein activator 1; plus strand). Cytogenetic location: 5q14.3.
Variant type: Duplication.
Coding change: c.724_743dup on transcript NM_002890.3 (MANE Select); coding-DNA positions 724 to 743, 20 bases duplicated (GGTGGAAGACGTTTTTCTTC).
Protein change: p.Leu249fs; shifts the reading frame from leucine 249.
Molecular consequence: frameshift variant. On other transcripts: intron variant (1).
Genome position (GRCh38, 1-based): chr5:87,332,538-87,332,557, GGTGGAAGACGTTTTTCTTC duplicated. VCF-style (leftmost placement, unchanged base first): chr5-87332537-T-TGGTGGAAGACGTTTTTCTTC. GRCh37 (hg19) VCF-style: chr5-86628354-T-TGGTGGAAGACGTTTTTCTTC.
Other names: c.193_212dup, p.Leu72fs (NM_022650.3); c.934-19762_934-19743dup (NM_001364075.2); short protein forms L249fs, L72fs.
Identifiers: ClinVar variation 3774516 (VCV003774516.1).
Genomic context (GRCh38, chr5:87,332,537, plus strand): 5'-TTTATACTGTATTTTTTCCTGTTCAAATAGGATTATTGCTATGTGTGGAGATTACTACAT[T>TGGTGGAAGACGTTTTTCTTC]GGTGGAAGACGTTTTTCTTCACTGTCAGACCTAATAGGTTATTACAGTCATGTTTCTTGT-3'